The following is an entry in ClinVar:

NM_004548.3(NDUFB10):c.190C>T (p.Arg64Cys)

Gene: NDUFB10 (NADH:ubiquinone oxidoreductase subunit B10; plus strand). Cytogenetic location: 16p13.3.
Variant type: single nucleotide variant.
Coding change: c.190C>T on transcript NM_004548.3 (MANE Select); coding-DNA position 190, C replaced by T.
Protein change: p.Arg64Cys; replaces arginine 64 with cysteine.
Molecular consequence: missense variant.
Genome position (GRCh38, 1-based): chr16:1,961,212, C>T. VCF-style: chr16-1961212-C-T. GRCh37 (hg19) VCF-style: chr16-2011213-C-T.
Other names: short protein forms R64C.
Identifiers: ClinVar variation 1989538 (VCV001989538.4), dbSNP rs771149280, ClinGen allele CA7823274.

ClinVar aggregate classification (germline): Uncertain significance (1 of 4 stars; one submission).

Allele frequency attached by ClinVar (database versions not stated): gnomAD exomes below 0.00001; gnomAD 0.00001; ExAC 0.00002.
gnomAD v4.1: 8 of 1,613,994 alleles (0.0005%); highest among the groups gnomAD compares: East Asian, 0.0022%; no homozygotes.

Submission:

Labcorp Genetics (formerly Invitae), Labcorp
Classification: Uncertain significance. Last evaluated: 2022-07-25. Review status: criteria provided, single submitter. Criteria: Invitae Variant Classification Sherloc (09022015). Collection method: clinical testing. Allele origin: germline.
Comment: In summary, the available evidence is currently insufficient to determine the role of this variant in disease. Therefore, it has been classified as a Variant of Uncertain Significance. Algorithms developed to predict the effect of missense changes on protein structure and function (SIFT, PolyPhen-2, Align-GVGD) all suggest that this variant is likely to be disruptive. This variant has not been reported in the literature in individuals affected with NDUFB10-related conditions. This variant is present in population databases (rs771149280, gnomAD 0.0009%). This sequence change replaces arginine, which is basic and polar, with cysteine, which is neutral and slightly polar, at codon 64 of the NDUFB10 protein (p.Arg64Cys).